The following is an entry in ClinVar:

ClinVar aggregate classification (germline): Uncertain significance (0 of 4 stars; one submission).

Conditions:
SMARCA4-related disorder. Also called: SMARCA4-related condition.

Submission:

PreventionGenetics, part of Exact Sciences
Classification: Uncertain significance for SMARCA4-related condition. Last evaluated: 2024-01-17. Review status: no assertion criteria provided. Collection method: clinical testing. Allele origin: germline.
Comment: The SMARCA4 c.1511T>C variant is predicted to result in the amino acid substitution p.Val504Ala. To our knowledge, this variant has not been reported in the literature or in a large population database, indicating this variant is rare. While this variant may be causative, at this time, the clinical significance of this variant is uncertain due to the absence of conclusive functional and genetic evidence.

NM_003072.5(SMARCA4):c.1511T>C (p.Val504Ala)

Gene: SMARCA4 (SWI/SNF related BAF chromatin remodeling complex subunit ATPase 4; plus strand). Cytogenetic location: 19p13.2.
Variant type: single nucleotide variant.
Coding change: c.1511T>C on transcript NM_003072.5 (MANE Select); coding-DNA position 1511, T replaced by C.
Protein change: p.Val504Ala; replaces valine 504 with alanine.
Molecular consequence: missense variant. On other transcripts: non-coding transcript variant (1).
Genome position (GRCh38, 1-based): chr19:10,994,919, T>C. VCF-style: chr19-10994919-T-C. GRCh37 (hg19) VCF-style: chr19-11105595-T-C.
Other names: c.1511T>C, p.Val504Ala (NM_001128844.3, NM_001128845.2, NM_001128846.2 and 6 more transcripts); short protein forms V504A.
Identifiers: ClinVar variation 2634507 (VCV002634507.3), dbSNP rs2514251673, ClinGen allele CA404062150.